The following is an entry in ClinVar:

NM_000548.5(TSC2):c.1716+183A>G

Gene: TSC2 (TSC complex subunit 2; plus strand). Cytogenetic location: 16p13.3.
Variant type: single nucleotide variant.
Coding change: c.1716+183A>G on transcript NM_000548.5 (MANE Select); 183 bases into the intron after coding-DNA position 1716, A replaced by G.
Molecular consequence: intron variant.
Genome position (GRCh38, 1-based): chr16:2,065,818, A>G. VCF-style: chr16-2065818-A-G. GRCh37 (hg19) VCF-style: chr16-2115819-A-G.
Other names: c.1716+183A>G (NM_001114382.3, NM_021055.3, NM_001370405.1 and 3 more transcripts); c.1605+183A>G (NM_001318827.2); c.1116+183A>G (NM_001318831.2); c.1569+183A>G (NM_001318829.2); c.1749+183A>G (NM_001318832.2).
Identifiers: ClinVar variation 677145 (VCV000677145.1), dbSNP rs8063461, ClinGen allele CA14236171.
Genomic context (GRCh38, chr16:2,065,818, plus strand): 5'-GGTGCGGTGGTCTCAGCAGGCAGCAGAACCTTCCTCCTGCTCTTGTGGAGGGATGGATGC[A>G]AGAGGCCCCGTTGTACGCCCTGACCAGAGCTTGTCTCTGTGCTCCTGAGTCAGGGCCGGA-3'

ClinVar aggregate classification (germline): Benign (1 of 4 stars; one submission).

Allele frequency attached by ClinVar (database versions not stated): TOPMed 0.56378; gnomAD 0.57327; 1000 Genomes Project 30x 0.60478; 1000 Genomes Project 0.61542.
gnomAD v4.1: 86,119 of 152,016 alleles (57%); highest among the groups gnomAD compares: East Asian, 84%; 25,506 homozygotes.

Submission:

GeneDx
Classification: Benign. Last evaluated: 2018-06-18. Review status: criteria provided, single submitter. Criteria: GeneDx Variant Classification (06012015). Collection method: clinical testing. Allele origin: germline. Affected: yes.
Comment: This variant is considered likely benign or benign based on one or more of the following criteria: it is a conservative change, it occurs at a poorly conserved position in the protein, it is predicted to be benign by multiple in silico algorithms, and/or has population frequency not consistent with disease.